The following is an entry in ClinVar:

ClinVar aggregate classification (germline): Uncertain significance (1 of 4 stars; one submission).

gnomAD v4.1: 58 of 1,614,106 alleles (0.0036%); highest among the groups gnomAD compares: Non-Finnish European, 0.0048%; no homozygotes.

Submission:

Labcorp Genetics (formerly Invitae), Labcorp
Classification: Uncertain significance. Last evaluated: 2022-08-07. Review status: criteria provided, single submitter. Criteria: Invitae Variant Classification Sherloc (09022015). Collection method: clinical testing. Allele origin: germline.
Comment: In summary, the available evidence is currently insufficient to determine the role of this variant in disease. Therefore, it has been classified as a Variant of Uncertain Significance. Algorithms developed to predict the effect of missense changes on protein structure and function are either unavailable or do not agree on the potential impact of this missense change (SIFT: "Deleterious"; PolyPhen-2: "Possibly Damaging"; Align-GVGD: "Class C0"). This variant has not been reported in the literature in individuals affected with EMC1-related conditions. This variant is present in population databases (rs139714938, gnomAD 0.005%). This sequence change replaces valine, which is neutral and non-polar, with phenylalanine, which is neutral and non-polar, at codon 708 of the EMC1 protein (p.Val708Phe).

NM_015047.3(EMC1):c.2122G>T (p.Val708Phe)

Genes: EMC1 (ER membrane protein complex subunit 1; minus strand), EMC1-AS1 (EMC1 antisense RNA 1; plus strand). Cytogenetic location: 1p36.13.
Variant type: single nucleotide variant.
Coding change: c.2122G>T on transcript NM_015047.3 (MANE Select); coding-DNA position 2122, G replaced by T.
Protein change: p.Val708Phe; replaces valine 708 with phenylalanine.
Molecular consequence: missense variant.
Genome position (GRCh38, 1-based): chr1:19,227,393, C>A on the plus strand (G>T on the coding strand, the complement: EMC1 is on the minus strand). VCF-style: chr1-19227393-C-A. GRCh37 (hg19) VCF-style: chr1-19553887-C-A.
Other names: c.2119G>T, p.Val707Phe (NM_001271427.2, NM_001271428.2); c.2056G>T, p.Val686Phe (NM_001271429.2); c.2131G>T, p.Val711Phe (NM_001375820.1); c.2128G>T, p.Val710Phe (NM_001375821.1); short protein forms V707F, V710F, V708F, V711F, V686F.
Identifiers: ClinVar variation 1973541 (VCV001973541.5), dbSNP rs139714938, ClinGen allele CA652388.
Genomic context (GRCh38, chr1:19,227,393, plus strand): 5'-CCCCCATCACACGGCCCTGGGAATGAACGTGCTCACTGCTGCGTTTCCCCTTCACCTTGA[C>A]GATCCGCTGTACTTCTGGGGGAATGGTCAGCTCCCAACTCAGCTCAGTGGTGAGATCCTA-3'
Protein context (NP_055862.1, residues 698-718): LTIPPEVQRI[Val708Phe]KVKGKRSSEH